The following is an entry in ClinVar:

NM_000094.4(COL7A1):c.6265C>T (p.Pro2089Ser)

Gene: COL7A1 (collagen type VII alpha 1 chain; minus strand). Cytogenetic location: 3p21.31.
Variant type: single nucleotide variant.
Coding change: c.6265C>T on transcript NM_000094.4 (MANE Select); coding-DNA position 6265, C replaced by T.
Protein change: p.Pro2089Ser; replaces proline 2089 with serine.
Molecular consequence: missense variant.
Genome position (GRCh38, 1-based): chr3:48,575,078, G>A on the plus strand (C>T on the coding strand, the complement: COL7A1 is on the minus strand). VCF-style: chr3-48575078-G-A. GRCh37 (hg19) VCF-style: chr3-48612511-G-A.
Other names: short protein forms P2089S.
Identifiers: ClinVar variation 1481757 (VCV001481757.6), dbSNP rs139920321, ClinGen allele CA2379130.

ClinVar aggregate classification (germline): Uncertain significance (1 of 4 stars; one submission).

Allele frequency attached by ClinVar (database versions not stated): ESP Exome Variant Server 0.00015.
gnomAD v4.1: 22 of 1,613,298 alleles (0.0014%); highest among the groups gnomAD compares: Non-Finnish European, 0.0019%; no homozygotes.

Submission:

Labcorp Genetics (formerly Invitae), Labcorp
Classification: Uncertain significance. Last evaluated: 2024-06-13. Review status: criteria provided, single submitter. Criteria: Invitae Variant Classification Sherloc (09022015). Collection method: clinical testing. Allele origin: germline.
Comment: This sequence change replaces proline, which is neutral and non-polar, with serine, which is neutral and polar, at codon 2089 of the COL7A1 protein (p.Pro2089Ser). This variant is present in population databases (rs139920321, gnomAD 0.002%). This variant has not been reported in the literature in individuals affected with COL7A1-related conditions. ClinVar contains an entry for this variant (Variation ID: 1481757). Advanced modeling of protein sequence and biophysical properties (such as structural, functional, and spatial information, amino acid conservation, physicochemical variation, residue mobility, and thermodynamic stability) performed at Invitae indicates that this missense variant is not expected to disrupt COL7A1 protein function with a negative predictive value of 95%. In summary, the available evidence is currently insufficient to determine the role of this variant in disease. Therefore, it has been classified as a Variant of Uncertain Significance.